The following is an entry in ClinVar:

ClinVar aggregate classification (germline): Likely pathogenic (1 of 4 stars; one submission).

Submission:

GeneDx
Classification: Likely pathogenic. Last evaluated: 2016-01-15. Review status: criteria provided, single submitter. Criteria: GeneDx Variant Classification (06012015). Collection method: clinical testing. Allele origin: germline. Affected: yes.
Comment: An in-frame deletion that is likely pathogenic was identified in the BTK gene. The c.906_908delAGG variant has been previously published in association with X-linked agammaglobulinemia (Gaspar et al., 1995), with limited data to fully support pathogenicity. This deletion removes one amnio acid residue from a conserved region in the SH2 domain; the SH2 domain is a hotspot for variants in the BTK gene and is essential for phosphopeptide binding (Tzeng et al., 2000). This deletion is not predicted to cause loss of function through protein truncation or nonsense-mediated mRNA decay. However, in the absence of RNA/ functional studies, the actual effect of this deletion is unknown. Missense variants (G302E/R, R307G/T/K/S) in nearby residues and another in-frame deletion (c.902_904delAAG) have been reported in the Human Gene Mutation Database in association with X-linked agammaglobulinemia (Stenson et al., 2014). The c.906_908delAGG variant was not observed in approximately 6,500 individuals of European and African American ancestry in the NHLBI Exome Sequencing Project, indicating it is not a common benign variant in these populations. Therefore, this variant is likely pathogenic; however, the possibility that it is benign cannot be excluded.

NM_000061.3(BTK):c.903AGG[1] (p.Gly303del)

Gene: BTK (Bruton tyrosine kinase; minus strand). Cytogenetic location: Xq22.1.
Variant type: Microsatellite.
Coding change: c.903AGG[1] on transcript NM_000061.3 (MANE Select); one copy of the 3-base unit AGG starting at c.903; the reference has two copies in a row; one copy, 3 bases deleted.
Protein change: p.Gly303del; deletes glycine 303.
Molecular consequence: inframe deletion.
Genome position (GRCh38, 1-based): chrX:101,358,683-101,358,685, CCT deleted on the plus strand (AGG on the coding strand, the reverse complement: BTK is on the minus strand); deleting any 3 consecutive bases within chrX:101,358,683-101,358,688 gives the same sequence; the position shown is the placement nearest the transcript's 3' end. VCF-style (leftmost placement, unchanged base first): chrX-101358682-ACCT-A. GRCh37 (hg19) VCF-style: chrX-100613670-ACCT-A.
Other names: c.906_908delAGG (NM_000061.2); c.1005AGG[1], p.Gly337del (NM_001287344.2); c.903AGG[1], p.Gly303del (NM_001287345.2); short protein forms G303del, G337del.
Identifiers: ClinVar variation 420095 (VCV000420095.2), dbSNP rs1064794285, ClinGen allele CA16621158.